The following is an entry in ClinVar:

NM_020340.5(ARFGEF3):c.656C>T (p.Ala219Val)

Gene: ARFGEF3 (ARFGEF family member 3; plus strand). Cytogenetic location: 6q23.3.
Variant type: single nucleotide variant.
Coding change: c.656C>T on transcript NM_020340.5 (MANE Select); coding-DNA position 656, C replaced by T.
Protein change: p.Ala219Val; replaces alanine 219 with valine.
Molecular consequence: missense variant.
Genome position (GRCh38, 1-based): chr6:138,245,582, C>T. VCF-style: chr6-138245582-C-T. GRCh37 (hg19) VCF-style: chr6-138566719-C-T.
Other names: short protein forms A219V.
Identifiers: ClinVar variation 3049634 (VCV003049634.2), dbSNP rs75188756, ClinGen allele CA4020383.

ClinVar aggregate classification (germline): Benign (0 of 4 stars; one submission).

Conditions:
ARFGEF3-related disorder. Also called: ARFGEF3-related condition.

Allele frequency attached by ClinVar (database versions not stated): ExAC 0.00167; ESP Exome Variant Server 0.00323; gnomAD 0.00343; TOPMed 0.00439; 1000 Genomes Project 0.00639; 1000 Genomes Project 30x 0.00750.

Submission:

PreventionGenetics, part of Exact Sciences
Classification: Benign for ARFGEF3-related condition. Last evaluated: 2019-07-22. Review status: no assertion criteria provided. Collection method: clinical testing. Allele origin: germline.
Comment: This variant is classified as benign based on ACMG/AMP sequence variant interpretation guidelines (Richards et al. 2015 PMID: 25741868, with internal and published modifications).